The following is an entry in ClinVar:

NM_000268.4(NF2):c.1757A>T (p.Lys586Met)

Gene: NF2 (NF2, moesin-ezrin-radixin like (MERLIN) tumor suppressor; plus strand). Cytogenetic location: 22q12.2.
Variant type: single nucleotide variant.
Coding change: c.1757A>T on transcript NM_000268.4 (MANE Select); coding-DNA position 1757, A replaced by T.
Protein change: p.Lys586Met; replaces lysine 586 with methionine.
Molecular consequence: missense variant. On other transcripts: 3 prime UTR variant (11), non-coding transcript variant (1).
Genome position (GRCh38, 1-based): chr22:29,694,771, A>T. VCF-style: chr22-29694771-A-T. GRCh37 (hg19) VCF-style: chr22-30090760-A-T.
Other names: c.1643A>T, p.Lys548Met (NM_001407053.1); c.1634A>T, p.Lys545Met (NM_001407054.1); c.1631A>T, p.Lys544Met (NM_001407055.1); c.*29A>T (NM_001407056.1, NM_001407059.1, NM_001407065.1 and 5 more transcripts); c.1622A>T, p.Lys541Met (NM_001407057.1); c.*44A>T (NM_001407058.1, NM_001407063.1, NM_181832.3); c.1594A>T, p.Ser532Cys (NM_001407060.1); c.1499A>T, p.Lys500Met (NM_001407062.1); and 2 more; short protein forms K156M, K500M, K544M, S449C, K541M, K586M, S532C, K545M.
Identifiers: ClinVar variation 4825429 (VCV004825429.1).

ClinVar aggregate classification (germline): Uncertain significance (1 of 4 stars; one submission).

Conditions:
Hereditary cancer-predisposing syndrome. Also called: Neoplastic Syndromes, Hereditary; Tumor predisposition; Hereditary Cancer Syndrome; Hereditary neoplastic syndrome. Identifiers: Orphanet 140162, MedGen C0027672, MeSH D009386, MONDO:0015356.

Submission:

Ambry Genetics
Classification: Uncertain significance for Hereditary cancer-predisposing syndrome. Last evaluated: 2026-01-21. Review status: criteria provided, single submitter. Criteria: Ambry Variant Classification Scheme 2023. Collection method: clinical testing. Allele origin: germline.
Comment: The p.K586M variant (also known as c.1757A>T), located in coding exon 16 of the NF2 gene, results from an A to T substitution at nucleotide position 1757. The lysine at codon 586 is replaced by methionine, an amino acid with similar properties. This amino acid position is conserved. In addition, the in silico prediction for this alteration is inconclusive. Based on the available evidence, the clinical significance of this variant remains unclear.